The following is an entry in ClinVar:

NM_001184.4(ATR):c.224T>C (p.Ile75Thr)

Gene: ATR (ATR checkpoint kinase; minus strand). Cytogenetic location: 3q23.
Variant type: single nucleotide variant.
Coding change: c.224T>C on transcript NM_001184.4 (MANE Select); coding-DNA position 224, T replaced by C.
Protein change: p.Ile75Thr; replaces isoleucine 75 with threonine.
Molecular consequence: missense variant.
Genome position (GRCh38, 1-based): chr3:142,566,189, A>G on the plus strand (T>C on the coding strand, the complement: ATR is on the minus strand). VCF-style: chr3-142566189-A-G. GRCh37 (hg19) VCF-style: chr3-142285031-A-G.
Other names: c.224T>C, p.Ile75Thr (NM_001354579.2); c.224T>C (NM_001184.3); short protein forms I75T.
Identifiers: ClinVar variation 3023268 (VCV003023268.4), dbSNP rs779259506, ClinGen allele CA2650819.
Genomic context (GRCh38, chr3:142,566,189, plus strand): 5'-CTGCCTTTGGCCTCATGGCTTCCACTCACATTTACAAACATAAGTGGGGAGGATTTCATG[A>G]TATGCTGGATGAAATCAAGCAACATCACGGAGGTTGGCTGAGAGTCAGTTTTCTTTACAA-3'
Protein context (NP_001175.2, residues 65-85): SVMLLDFIQH[Ile75Thr]MKSSPLMFVN

ClinVar aggregate classification (germline): Uncertain significance. Review status: criteria provided, multiple submitters, no conflicts (2 of 4 stars). 2 submissions from 2 submitters: Uncertain significance (2). Last evaluated 2024-04-29.

Conditions:
Inborn genetic diseases. Identifiers: MedGen C0950123, MeSH D030342.

Allele frequency attached by ClinVar (database versions not stated): ExAC 0.00001; gnomAD exomes 0.00002.
gnomAD v4.1: 30 of 1,614,078 alleles (0.0019%); highest among the groups gnomAD compares: Non-Finnish European, 0.0025%; no homozygotes.

Submissions (2):

Labcorp Genetics (formerly Invitae), Labcorp
Classification: Uncertain significance. Last evaluated: 2024-04-29. Review status: criteria provided, single submitter. Criteria: Invitae Variant Classification Sherloc (09022015). Collection method: clinical testing. Allele origin: germline.
Comment: This sequence change replaces isoleucine, which is neutral and non-polar, with threonine, which is neutral and polar, at codon 75 of the ATR protein (p.Ile75Thr). This variant is present in population databases (rs779259506, gnomAD 0.0009%). This variant has not been reported in the literature in individuals affected with ATR-related conditions. An algorithm developed to predict the effect of missense changes on protein structure and function (PolyPhen-2) suggests that this variant is likely to be disruptive. In summary, the available evidence is currently insufficient to determine the role of this variant in disease. Therefore, it has been classified as a Variant of Uncertain Significance.

Ambry Genetics
Classification: Uncertain significance for Inborn genetic diseases. Last evaluated: 2024-04-26. Review status: criteria provided, single submitter. Criteria: Ambry Variant Classification Scheme 2023. Collection method: clinical testing. Allele origin: germline.
Comment: The p.I75T variant (also known as c.224T>C), located in coding exon 3 of the ATR gene, results from a T to C substitution at nucleotide position 224. The isoleucine at codon 75 is replaced by threonine, an amino acid with similar properties. This amino acid position is conserved. In addition, this alteration is predicted to be deleterious by in silico analysis. Based on the available evidence, the clinical significance of this variant remains unclear.